The following is an entry in ClinVar:

ClinVar aggregate classification (germline): Uncertain significance (1 of 4 stars; one submission).

Conditions:
Autosomal recessive limb-girdle muscular dystrophy type 2F (LGMDR6). Also called: Muscular dystrophy limb-girdle with delta-sarcoglyan deficiency; MUSCULAR DYSTROPHY, LIMB-GIRDLE, AUTOSOMAL RECESSIVE 6. Identifiers: Orphanet 219, MedGen C1832525, MONDO:0011028, OMIM 601287. Disease mechanism: Affects gamma-sarcoglycan and also disrupts the integrity of the entire sarcoglycan complex..

gnomAD v4.1: 2 of 1,587,064 alleles (0.00013%); highest among the groups gnomAD compares: Admixed American, 0.0035%; no homozygotes.

Submission:

Labcorp Genetics (formerly Invitae), Labcorp
Classification: Uncertain significance for Autosomal recessive limb-girdle muscular dystrophy type 2F. Last evaluated: 2024-07-23. Review status: criteria provided, single submitter. Criteria: Invitae Variant Classification Sherloc (09022015). Collection method: clinical testing. Allele origin: germline.
Comment: This sequence change replaces proline, which is neutral and non-polar, with serine, which is neutral and polar, at codon 181 of the SGCD protein (p.Pro181Ser). The frequency data for this variant in the population databases is considered unreliable, as metrics indicate poor data quality at this position in the gnomAD database. This variant has not been reported in the literature in individuals affected with SGCD-related conditions. ClinVar contains an entry for this variant (Variation ID: 2154981). Advanced modeling of protein sequence and biophysical properties (such as structural, functional, and spatial information, amino acid conservation, physicochemical variation, residue mobility, and thermodynamic stability) performed at Invitae indicates that this missense variant is not expected to disrupt SGCD protein function with a negative predictive value of 80%. In summary, the available evidence is currently insufficient to determine the role of this variant in disease. Therefore, it has been classified as a Variant of Uncertain Significance.

NM_000337.6(SGCD):c.541C>T (p.Pro181Ser)

Gene: SGCD (sarcoglycan delta; plus strand). Cytogenetic location: 5q33.3.
Variant type: single nucleotide variant.
Coding change: c.541C>T on transcript NM_000337.6 (MANE Select); coding-DNA position 541, C replaced by T.
Protein change: p.Pro181Ser; replaces proline 181 with serine.
Molecular consequence: missense variant.
Genome position (GRCh38, 1-based): chr5:156,647,502, C>T. VCF-style: chr5-156647502-C-T. GRCh37 (hg19) VCF-style: chr5-156074512-C-T.
Other names: c.538C>T, p.Pro180Ser (NM_001128209.2); c.541C>T, p.Pro181Ser (NM_172244.3); short protein forms P180S, P181S.
Identifiers: ClinVar variation 2154981 (VCV002154981.3), dbSNP rs1424732181, ClinGen allele CA362008233.